The following is an entry in ClinVar:

ClinVar aggregate classification (germline): Likely benign. Review status: criteria provided, multiple submitters, no conflicts (2 of 4 stars). 2 submissions from 2 submitters: Likely benign (2). Last evaluated 2024-04-16.

Conditions:
Pyruvate dehydrogenase E2 deficiency (PDHDD). Also called: LACTIC ACIDEMIA DUE TO DEFECT OF E2 LIPOYL TRANSACETYLASE OF THE PYRUVATE DEHYDROGENASE COMPLEX; Dihydrolipoamide Acetyltransferase (E2) Deficiency. Identifiers: Orphanet 765, Orphanet 79244, MedGen C1855565, MONDO:0009502, OMIM 245348.

Allele frequency attached by ClinVar (database versions not stated): gnomAD exomes 0.00001 and 0.00002; ExAC 0.00003; TOPMed 0.00006; gnomAD 0.00007; 1000 Genomes Project 0.00060; 1000 Genomes Project 30x 0.00062.
gnomAD v4.1: 28 of 1,614,180 alleles (0.0017%); highest among the groups gnomAD compares: African/African-American, 0.033%; no homozygotes.

Submissions (2):

Labcorp Genetics (formerly Invitae), Labcorp
Classification: Likely benign for Pyruvate dehydrogenase E2 deficiency. Last evaluated: 2024-04-16. Review status: criteria provided, single submitter. Criteria: Invitae Variant Classification Sherloc (09022015). Collection method: clinical testing. Allele origin: germline.

GeneDx
Classification: Likely benign. Last evaluated: 2016-12-30. Review status: criteria provided, single submitter. Criteria: GeneDx Variant Classification (06012015). Collection method: clinical testing. Allele origin: germline. Affected: yes.
Comment: This variant is considered likely benign or benign based on one or more of the following criteria: it is a conservative change, it occurs at a poorly conserved position in the protein, it is predicted to be benign by multiple in silico algorithms, and/or has population frequency not consistent with disease.

NM_001931.5(DLAT):c.870C>T (p.Leu290=)

Gene: DLAT (dihydrolipoamide S-acetyltransferase; plus strand). Cytogenetic location: 11q23.1.
Variant type: single nucleotide variant.
Coding change: c.870C>T on transcript NM_001931.5 (MANE Select); coding-DNA position 870, C replaced by T.
Protein change: p.Leu290=; no amino-acid change (leucine 290 retained).
Molecular consequence: synonymous variant. On other transcripts: intron variant (2).
Genome position (GRCh38, 1-based): chr11:112,037,355, C>T. VCF-style: chr11-112037355-C-T. GRCh37 (hg19) VCF-style: chr11-111908079-C-T.
Other names: c.870C>T, p.Leu290= (NM_001372031.1, NM_001372032.1, NM_001372033.1 and 1 more transcripts); c.837C>T, p.Leu279= (NM_001372034.1); c.744C>T, p.Leu248= (NM_001372036.1); c.702C>T, p.Leu234= (NM_001372037.1); c.591C>T, p.Leu197= (NM_001372038.1); c.489C>T, p.Leu163= (NM_001372040.1); c.408C>T, p.Leu136= (NM_001372042.1); c.661-1889C>T (NM_001372039.1, NM_001372041.1).
Identifiers: ClinVar variation 392107 (VCV000392107.4), dbSNP rs587754043, ClinGen allele CA6276763.